The following is an entry in ClinVar:

NM_000083.3(CLCN1):c.1334A>G (p.Gln445Arg)

Gene: CLCN1 (chloride voltage-gated channel 1; plus strand). Cytogenetic location: 7q34.
Variant type: single nucleotide variant.
Coding change: c.1334A>G on transcript NM_000083.3 (MANE Select); coding-DNA position 1334, A replaced by G.
Protein change: p.Gln445Arg; replaces glutamine 445 with arginine.
Molecular consequence: missense variant.
Genome position (GRCh38, 1-based): chr7:143,332,806, A>G. VCF-style: chr7-143332806-A-G. GRCh37 (hg19) VCF-style: chr7-143029899-A-G.
Other names: short protein forms Q445R.
Identifiers: ClinVar variation 2440110 (VCV002440110.5), dbSNP rs1401396816, ClinGen allele CA369644194.

ClinVar aggregate classification (germline): Uncertain significance. Review status: criteria provided, multiple submitters, no conflicts (2 of 4 stars). 2 submissions from 2 submitters: Uncertain significance (2). Last evaluated 2025-06-11.

Conditions:
Congenital myotonia, autosomal recessive form. Also called: Becker Generalized Myotonia; BECKER DISEASE; myotonia congenita, autosomal recessive. Identifiers: Orphanet 614, MedGen C0751360, MONDO:0009715, OMIM 255700.
Congenital myotonia, autosomal dominant form (THD). Also called: THOMSEN DISEASE; Myotonia congenita autosomal dominant. Identifiers: Orphanet 614, MedGen C2936781, MONDO:0008055, OMIM 160800.

gnomAD v4.1: 7 of 1,614,200 alleles (0.00043%); highest among the groups gnomAD compares: Non-Finnish European, 0.00059%; no homozygotes.

Submissions (2):

Labcorp Genetics (formerly Invitae), Labcorp
Classification: Uncertain significance for Congenital myotonia, autosomal recessive form; Congenital myotonia, autosomal dominant form. Last evaluated: 2025-06-11. Review status: criteria provided, single submitter. Criteria: Invitae Variant Classification Sherloc (09022015). Collection method: clinical testing. Allele origin: germline.
Comment: This sequence change replaces glutamine, which is neutral and polar, with arginine, which is basic and polar, at codon 445 of the CLCN1 protein (p.Gln445Arg). This variant is present in population databases (no rsID available, gnomAD 0.0009%). This variant has not been reported in the literature in individuals affected with CLCN1-related conditions. ClinVar contains an entry for this variant (Variation ID: 2440110). Invitae Evidence Modeling of protein sequence and biophysical properties (such as structural, functional, and spatial information, amino acid conservation, physicochemical variation, residue mobility, and thermodynamic stability) indicates that this missense variant is not expected to disrupt CLCN1 protein function with a negative predictive value of 95%. In summary, the available evidence is currently insufficient to determine the role of this variant in disease. Therefore, it has been classified as a Variant of Uncertain Significance.

Revvity Omics, Revvity
Classification: Uncertain significance. Last evaluated: 2021-05-19. Review status: criteria provided, single submitter. Criteria: ACMG Guidelines, 2015. Collection method: clinical testing. Allele origin: germline.